The following is an entry in ClinVar:

ClinVar aggregate classification (germline): Uncertain significance (1 of 4 stars; one submission).

Conditions:
Immunodeficiency, common variable, 10. Also called: IMMUNODEFICIENCY, COMMON VARIABLE, WITH CENTRAL ADRENAL INSUFFICIENCY; DEFICIT IN ANTERIOR PITUITARY FUNCTION AND VARIABLE IMMUNODEFICIENCY. Identifiers: MedGen C3809991, MONDO:0014260, OMIM 615577.

Submission:

Labcorp Genetics (formerly Invitae), Labcorp
Classification: Uncertain significance for Immunodeficiency, common variable, 10. Last evaluated: 2025-09-03. Review status: criteria provided, single submitter. Criteria: Invitae Variant Classification Sherloc (09022015). Collection method: clinical testing. Allele origin: germline.
Comment: This sequence change replaces serine, which is neutral and polar, with cysteine, which is neutral and slightly polar, at codon 206 of the NFKB2 protein (p.Ser206Cys). This variant is not present in population databases (gnomAD no frequency). This variant has not been reported in the literature in individuals affected with NFKB2-related conditions. An algorithm developed to predict the effect of missense changes on protein structure and function (PolyPhen-2) suggests that this variant is likely to be tolerated. In summary, the available evidence is currently insufficient to determine the role of this variant in disease. Therefore, it has been classified as a Variant of Uncertain Significance.

NM_001322934.2(NFKB2):c.617C>G (p.Ser206Cys)

Gene: NFKB2 (nuclear factor kappa B subunit 2; plus strand). Cytogenetic location: 10q24.32.
Variant type: single nucleotide variant.
Coding change: c.617C>G on transcript NM_001322934.2 (MANE Select); coding-DNA position 617, C replaced by G.
Protein change: p.Ser206Cys; replaces serine 206 with cysteine.
Molecular consequence: missense variant.
Genome position (GRCh38, 1-based): chr10:102,397,641, C>G. VCF-style: chr10-102397641-C-G. GRCh37 (hg19) VCF-style: chr10-104157398-C-G.
Other names: c.617C>G, p.Ser206Cys (NM_001077494.3, NM_001261403.3, NM_001288724.1 and 2 more transcripts); short protein forms S206C.
Identifiers: ClinVar variation 4726594 (VCV004726594.1).